The following is an entry in ClinVar:

NM_024597.4(MAP7D3):c.1586T>C (p.Ile529Thr)

Gene: MAP7D3 (MAP7 domain containing 3; minus strand). Cytogenetic location: Xq26.3.
Variant type: single nucleotide variant.
Coding change: c.1586T>C on transcript NM_024597.4 (MANE Select); coding-DNA position 1586, T replaced by C.
Protein change: p.Ile529Thr; replaces isoleucine 529 with threonine.
Molecular consequence: missense variant.
Genome position (GRCh38, 1-based): chrX:136,230,549, A>G on the plus strand (T>C on the coding strand, the complement: MAP7D3 is on the minus strand). VCF-style: chrX-136230549-A-G. GRCh37 (hg19) VCF-style: chrX-135312708-A-G.
Other names: c.1586T>C (NM_024597.3); c.1532T>C, p.Ile511Thr (NM_001173516.1); c.1481T>C, p.Ile494Thr (NM_001173517.2); short protein forms I494T, I511T, I529T.
Identifiers: ClinVar variation 2661502 (VCV002661502.25), dbSNP rs199975497, ClinGen allele CA10525439.

ClinVar aggregate classification (germline): Likely benign. Review status: criteria provided, single submitter (1 of 4 stars). 2 submissions from 2 submitters: Likely benign (1). 1 of the submissions does not count toward it. Last evaluated 2022-11-01.

Conditions:
MAP7D3-related disorder. Also called: MAP7D3-related condition.

Allele frequency attached by ClinVar (database versions not stated): ESP Exome Variant Server 0.00011; TOPMed 0.00011; gnomAD 0.00014; gnomAD exomes 0.00015; ExAC 0.00024.
gnomAD v4.1: 176 of 1,201,421 alleles (0.015%); highest among the groups gnomAD compares: Middle Eastern, 0.023%; no homozygotes.

Submissions (2):

CeGaT Center for Human Genetics Tuebingen
Classification: Likely benign. Last evaluated: 2022-11-01. Review status: criteria provided, single submitter. Criteria: CeGaT Center For Human Genetics Tuebingen Variant Classification Criteria Version 2. Collection method: clinical testing. Allele origin: germline. Affected: yes. Observed: 1 variant allele.
Comment: MAP7D3: BP4, BS2

PreventionGenetics, part of Exact Sciences
Classification: Likely benign for MAP7D3-related condition. Last evaluated: 2023-04-20. Review status: no assertion criteria provided. Collection method: clinical testing. Allele origin: germline. Not counted in ClinVar's aggregate classification.
Comment: This variant is classified as likely benign based on ACMG/AMP sequence variant interpretation guidelines (Richards et al. 2015 PMID: 25741868, with internal and published modifications).